The following is an entry in ClinVar:

ClinVar aggregate classification (germline): Pathogenic. Review status: criteria provided, multiple submitters, no conflicts (2 of 4 stars). 2 submissions from 2 submitters: Pathogenic (2). Last evaluated 2026-04-08.

Allele frequency attached by ClinVar (database versions not stated): gnomAD exomes below 0.00001; TOPMed 0.00001; gnomAD 0.00001.
gnomAD v4.1: 7 of 1,549,164 alleles (0.00045%); highest among the groups gnomAD compares: South Asian, 0.0012%; no homozygotes.

Submissions (2):

GeneDx
Classification: Pathogenic. Last evaluated: 2026-04-08. Review status: criteria provided, single submitter. Criteria: GeneDx Variant Classification Process June 2021. Collection method: clinical testing. Allele origin: germline.
Comment: Nonsense variant predicted to result in protein truncation or nonsense mediated decay in a gene for which loss of function is a known mechanism of disease; Not observed at significant frequency in large population cohorts (gnomAD); This variant is associated with the following publications: (PMID: 39858607)

Labcorp Genetics (formerly Invitae), Labcorp
Classification: Pathogenic. Last evaluated: 2024-05-06. Review status: criteria provided, single submitter. Criteria: Invitae Variant Classification Sherloc (09022015). Collection method: clinical testing. Allele origin: germline.
Comment: This sequence change creates a premature translational stop signal (p.Arg2556*) in the OTOG gene. It is expected to result in an absent or disrupted protein product. Loss-of-function variants in OTOG are known to be pathogenic (PMID: 23122587). This variant is not present in population databases (gnomAD no frequency). This variant has not been reported in the literature in individuals affected with OTOG-related conditions. ClinVar contains an entry for this variant (Variation ID: 1451999). For these reasons, this variant has been classified as Pathogenic.

Literature cited by the submitters: PubMed 23122587 (cited by Labcorp Genetics (formerly Invitae), Labcorp).

NM_001292063.2(OTOG):c.7630C>T (p.Arg2544Ter)

Gene: OTOG (otogelin; plus strand). Cytogenetic location: 11p15.1.
Variant type: single nucleotide variant.
Coding change: c.7630C>T on transcript NM_001292063.2 (MANE Select); coding-DNA position 7630, C replaced by T.
Protein change: p.Arg2544Ter; replaces arginine 2544 with a stop codon.
Molecular consequence: nonsense.
Genome position (GRCh38, 1-based): chr11:17,635,124, C>T. VCF-style: chr11-17635124-C-T. GRCh37 (hg19) VCF-style: chr11-17656671-C-T.
Other names: c.7666C>T, p.Arg2556Ter (NM_001277269.2); c.7666C>T (NM_001277269.1); short protein forms R2544*, R2556*.
Identifiers: ClinVar variation 1451999 (VCV001451999.7), dbSNP rs1228522943, ClinGen allele CA379812992.